The following is an entry in ClinVar:

NM_000153.4(GALC):c.144C>T (p.Ser48=)

Genes: GALC (galactosylceramidase; minus strand), LOC130056217 (ATAC-STARR-seq lymphoblastoid silent region 5988; plus strand). Cytogenetic location: 14q31.3.
Variant type: single nucleotide variant.
Coding change: c.144C>T on transcript NM_000153.4 (MANE Select); coding-DNA position 144, C replaced by T.
Protein change: p.Ser48=; no amino-acid change (serine 48 retained).
Molecular consequence: synonymous variant. On other transcripts: intron variant (1).
Genome position (GRCh38, 1-based): chr14:87,993,021, G>A on the plus strand (C>T on the coding strand, the complement: GALC is on the minus strand). VCF-style: chr14-87993021-G-A. GRCh37 (hg19) VCF-style: chr14-88459365-G-A.
Other names: p.Ser48=; c.144C>T, p.Ser48= (NM_001201401.2); c.117+362C>T (NM_001201402.2).
Identifiers: ClinVar variation 797930 (VCV000797930.15), dbSNP rs764548631, ClinGen allele CA7297496.

ClinVar aggregate classification (germline): Likely benign. Review status: criteria provided, multiple submitters, no conflicts (2 of 4 stars). 3 submissions from 3 submitters: Likely benign (2). 1 of the submissions does not count toward it. Last evaluated 2026-02-04.

Conditions:
Galactosylceramide beta-galactosidase deficiency. Also called: GALACTOCEREBROSIDASE DEFICIENCY; Krabbe Disease; GALC DEFICIENCY; GLOBOID CELL LEUKOENCEPHALOPATHY; Leukodystrophy, Globoid Cell. Identifiers: Orphanet 487, MedGen C0023521, MONDO:0009499, OMIM 245200.

Allele frequency attached by ClinVar (database versions not stated): gnomAD below 0.00001 and 0.00001; TOPMed below 0.00001; gnomAD exomes 0.00001; ExAC 0.00010.
gnomAD v4.1: 11 of 1,547,474 alleles (0.00071%); highest among the groups gnomAD compares: South Asian, 0.012%; no homozygotes.

Submissions (3):

Labcorp Genetics (formerly Invitae), Labcorp
Classification: Likely benign for Galactosylceramide beta-galactosidase deficiency. Last evaluated: 2026-02-04. Review status: criteria provided, single submitter. Criteria: Invitae Variant Classification Sherloc (09022015). Collection method: clinical testing. Allele origin: germline.

Mayo Clinic Laboratories, Mayo Clinic
Classification: Likely benign. Last evaluated: 2025-10-01. Review status: criteria provided, single submitter. Criteria: ACMG Guidelines, 2015. Collection method: clinical testing. Allele origin: germline. Observed: 1 variant allele.
Comment: BP4, BP7

Natera, Inc.
Classification: Likely benign for Galactosylceramide beta-galactosidase deficiency. Last evaluated: 2021-10-07. Review status: no assertion criteria provided. Collection method: clinical testing. Allele origin: germline. Not counted in ClinVar's aggregate classification.